The following is an entry in ClinVar:

ClinVar aggregate classification (germline): Uncertain significance. Review status: criteria provided, multiple submitters, no conflicts (2 of 4 stars). 2 submissions from 2 submitters: Uncertain significance (2). Last evaluated 2025-04-11.

Conditions:
Inborn genetic diseases. Identifiers: MedGen C0950123, MeSH D030342.

Allele frequency attached by ClinVar (database versions not stated): gnomAD exomes 0.00001 and 0.00003; ExAC 0.00002; gnomAD 0.00017 and 0.00019.
gnomAD v4.1: 43 of 1,613,442 alleles (0.0027%); highest among the groups gnomAD compares: African/African-American, 0.052%; no homozygotes.

Submissions (2):

Ambry Genetics
Classification: Uncertain significance for Inborn genetic diseases. Last evaluated: 2025-04-11. Review status: criteria provided, single submitter. Criteria: Ambry Variant Classification Scheme 2023. Collection method: clinical testing. Allele origin: germline.

Labcorp Genetics (formerly Invitae), Labcorp
Classification: Uncertain significance. Last evaluated: 2024-06-11. Review status: criteria provided, single submitter. Criteria: Invitae Variant Classification Sherloc (09022015). Collection method: clinical testing. Allele origin: germline.
Comment: This sequence change replaces aspartic acid, which is acidic and polar, with asparagine, which is neutral and polar, at codon 693 of the PCLO protein (p.Asp693Asn). This variant is present in population databases (rs780444839, gnomAD 0.05%). This variant has not been reported in the literature in individuals affected with PCLO-related conditions. ClinVar contains an entry for this variant (Variation ID: 1378823). Experimental studies and prediction algorithms are not available or were not evaluated, and the functional significance of this variant is currently unknown. In summary, the available evidence is currently insufficient to determine the role of this variant in disease. Therefore, it has been classified as a Variant of Uncertain Significance.

NM_033026.6(PCLO):c.2077G>A (p.Asp693Asn)

Gene: PCLO (piccolo presynaptic cytomatrix protein; minus strand). Cytogenetic location: 7q21.11.
Variant type: single nucleotide variant.
Coding change: c.2077G>A on transcript NM_033026.6 (MANE Select); coding-DNA position 2077, G replaced by A.
Protein change: p.Asp693Asn; replaces aspartic acid 693 with asparagine.
Molecular consequence: missense variant.
Genome position (GRCh38, 1-based): chr7:83,135,473, C>T on the plus strand (G>A on the coding strand, the complement: PCLO is on the minus strand). VCF-style: chr7-83135473-C-T. GRCh37 (hg19) VCF-style: chr7-82764789-C-T.
Other names: c.2077G>A, p.Asp693Asn (NM_014510.3); c.2077G>A (NM_033026.5); short protein forms D693N.
Identifiers: ClinVar variation 1378823 (VCV001378823.8), dbSNP rs780444839, ClinGen allele CA4321318.